The following is an entry in ClinVar:

ClinVar aggregate classification (germline): Uncertain significance (1 of 4 stars; one submission).

Conditions:
Myoclonic epilepsy, juvenile, susceptibility to, 1. Also called: EJM1; Myoclonic Epilepsy, Juvenile, 1. Identifiers: MedGen C1850778, MONDO:0020752, OMIM 254770.
Absence seizure. Also called: Absence epilepsy. Identifiers: Orphanet 1941, MedGen C0014553.

Allele frequency attached by ClinVar (database versions not stated): gnomAD exomes below 0.00001; ExAC 0.00001; gnomAD 0.00001; 1000 Genomes Project 30x 0.00016; 1000 Genomes Project 0.00020.
gnomAD v4.1: 1 of 1,614,174 alleles (0.000062%); highest among the groups gnomAD compares: East Asian, 0.0022%; no homozygotes.

Submission:

Labcorp Genetics (formerly Invitae), Labcorp
Classification: Uncertain significance for Myoclonic epilepsy, juvenile, susceptibility to, 1; Absence seizure. Last evaluated: 2020-11-03. Review status: criteria provided, single submitter. Criteria: Invitae Variant Classification Sherloc (09022015). Collection method: clinical testing. Allele origin: germline.
Comment: In summary, the available evidence is currently insufficient to determine the role of this variant in disease. Therefore, it has been classified as a Variant of Uncertain Significance. Algorithms developed to predict the effect of missense changes on protein structure and function (SIFT, PolyPhen-2, Align-GVGD) all suggest that this variant is likely to be disruptive, but these predictions have not been confirmed by published functional studies and their clinical significance is uncertain. This variant has not been reported in the literature in individuals with EFHC1-related conditions. This variant is present in population databases (rs533695444, ExAC 0.01%). This sequence change replaces tyrosine with cysteine at codon 354 of the EFHC1 protein (p.Tyr354Cys). The tyrosine residue is moderately conserved and there is a large physicochemical difference between tyrosine and cysteine.

NM_018100.4(EFHC1):c.1061A>G (p.Tyr354Cys)

Gene: EFHC1 (EF-hand domain containing 1; plus strand). Cytogenetic location: 6p12.2.
Variant type: single nucleotide variant.
Coding change: c.1061A>G on transcript NM_018100.4 (MANE Select); coding-DNA position 1061, A replaced by G.
Protein change: p.Tyr354Cys; replaces tyrosine 354 with cysteine.
Molecular consequence: missense variant. On other transcripts: non-coding transcript variant (1).
Genome position (GRCh38, 1-based): chr6:52,465,039, A>G. VCF-style: chr6-52465039-A-G. GRCh37 (hg19) VCF-style: chr6-52329837-A-G.
Other names: c.1004A>G, p.Tyr335Cys (NM_001172420.2); short protein forms Y335C, Y354C.
Identifiers: ClinVar variation 1482232 (VCV001482232.8), dbSNP rs533695444, ClinGen allele CA3855978.